The following is an entry in ClinVar:

ClinVar aggregate classification (germline): Likely pathogenic (1 of 4 stars; one submission).

Conditions:
Mucolipidosis type IV (ML4). Also called: ML IV. Identifiers: Orphanet 578, MedGen C0238286, MONDO:0009653, OMIM 252650.

Submission:

Myriad Genetics, Inc.
Classification: Likely pathogenic for Mucolipidosis type IV. Last evaluated: 2022-05-18. Review status: criteria provided, single submitter. Criteria: Myriad Women's Health Autosomal Recessive and X-Linked Classification Criteria (2021). Collection method: clinical testing. Allele origin: unknown.
Comment: NM_020533.2(MCOLN1):c.11dupC(A5Gfs*83) is expected to be pathogenic in the context of mucolipidosis IV. This variant is predicted to lead to an abnormal or absent protein product due to the creation of a premature termination codon in MCOLN1, a gene where loss-of-function variants are known to be pathogenic. Please note: this variant was assessed in the context of healthy population screening.

NM_020533.3(MCOLN1):c.11dup (p.Ala5fs)

Genes: MCOLN1 (mucolipin TRP cation channel 1; plus strand), LOC130063376 (ATAC-STARR-seq lymphoblastoid silent region 9986; plus strand). Cytogenetic location: 19p13.2.
Variant type: Duplication.
Coding change: c.11dup on transcript NM_020533.3 (MANE Select); coding-DNA position 11, one base duplicated (C; older notation c.11dupC).
Protein change: p.Ala5fs; shifts the reading frame from alanine 5.
Molecular consequence: frameshift variant.
Genome position (GRCh38, 1-based): chr19:7,522,761, C duplicated; the last of 4 consecutive C bases (chr19:7,522,758-7,522,761); duplicating any one gives the same sequence. VCF-style (leftmost placement, unchanged base first): chr19-7522757-G-GC. GRCh37 (hg19) VCF-style: chr19-7587643-G-GC.
Other names: short protein forms A5fs.
Identifiers: ClinVar variation 1726094 (VCV001726094.2), dbSNP rs2512466186, ClinGen allele CA2580097072.